The following is an entry in ClinVar:

NM_145868.2(ANXA11):c.191C>T (p.Thr64Ile)

Gene: ANXA11 (annexin A11; minus strand). Cytogenetic location: 10q22.3.
Variant type: single nucleotide variant.
Coding change: c.191C>T on transcript NM_145868.2 (MANE Select); coding-DNA position 191, C replaced by T.
Protein change: p.Thr64Ile; replaces threonine 64 with isoleucine.
Molecular consequence: missense variant.
Genome position (GRCh38, 1-based): chr10:80,169,339, G>A on the plus strand (C>T on the coding strand, the complement: ANXA11 is on the minus strand). VCF-style: chr10-80169339-G-A. GRCh37 (hg19) VCF-style: chr10-81929095-G-A.
Other names: c.191C>T (NM_145869.1); c.191C>T, p.Thr64Ile (NM_001157.3, NM_001278407.2, NM_001278408.2 and 1 more transcripts); c.92C>T, p.Thr31Ile (NM_001278409.2); short protein forms T31I, T64I.
Identifiers: ClinVar variation 1601405 (VCV001601405.18), dbSNP rs560648660, ClinGen allele CA5576339.
Genomic context (GRCh38, chr10:80,169,339, plus strand): 5'-GGTGGGTAGCCAGCCCCAGGGGCCCCAGGGTACAGGTTGGGCATGTTGGCTCCTCCAAAT[G>A]TCCCAGACATGTTGGCCGCCTGCAAGGACACAAAGCAGAGCCTGAGGCCAATGGGCCCTG-3'
Protein context (NP_665875.1, residues 54-74): LSGMAANMSG[Thr64Ile]FGGANMPNLY

ClinVar aggregate classification (germline): Benign. Review status: criteria provided, multiple submitters, no conflicts (2 of 4 stars). 3 submissions from 3 submitters: Benign (2). 1 of the submissions does not count toward it. Last evaluated 2025-08-01.

Conditions:
ANXA11-related disorder. Also called: ANXA11-related condition.

Allele frequency attached by ClinVar (database versions not stated): TOPMed 0.00005; gnomAD 0.00020; gnomAD exomes 0.00036 and 0.00073; ExAC 0.00103; 1000 Genomes Project 30x 0.00187; 1000 Genomes Project 0.00200.

Submissions (3):

CeGaT Center for Human Genetics Tuebingen
Classification: Benign. Last evaluated: 2025-08-01. Review status: criteria provided, single submitter. Criteria: CeGaT Center For Human Genetics Tuebingen Variant Classification Criteria Version 2. Collection method: clinical testing. Allele origin: germline. Affected: yes. Observed: 1 variant allele.
Comment: ANXA11: BS1, BS2

Labcorp Genetics (formerly Invitae), Labcorp
Classification: Benign. Last evaluated: 2025-06-27. Review status: criteria provided, single submitter. Criteria: Invitae Variant Classification Sherloc (09022015). Collection method: clinical testing. Allele origin: germline.

PreventionGenetics, part of Exact Sciences
Classification: Benign for ANXA11-related condition. Last evaluated: 2019-04-08. Review status: no assertion criteria provided. Collection method: clinical testing. Allele origin: germline. Not counted in ClinVar's aggregate classification.
Comment: This variant is classified as benign based on ACMG/AMP sequence variant interpretation guidelines (Richards et al. 2015 PMID: 25741868, with internal and published modifications).